The following is an entry in ClinVar:

NM_152713.5(STT3A):c.149+20C>T

Gene: STT3A (STT3 oligosaccharyltransferase complex catalytic subunit A; plus strand). Cytogenetic location: 11q24.2.
Variant type: single nucleotide variant.
Coding change: c.149+20C>T on transcript NM_152713.5 (MANE Select); 20 bases into the intron after coding-DNA position 149, C replaced by T.
Molecular consequence: intron variant.
Genome position (GRCh38, 1-based): chr11:125,597,139, C>T. VCF-style: chr11-125597139-C-T. GRCh37 (hg19) VCF-style: chr11-125467034-C-T.
Other names: c.149+20C>T (NM_001278503.2); c.-128+20C>T (NM_001278504.2).
Identifiers: ClinVar variation 387990 (VCV000387990.9), dbSNP rs144743356, ClinGen allele CA6348762.
Genomic context (GRCh38, chr11:125,597,139, plus strand): 5'-GCTGTCCTGAGATTTGAAAGTGTTATCCATGAGTTTGATCCGTGAGTACCTTTGCTTGAT[C>T]TGGTATTATTTCCTTTGGGAGGCATTCAGGTTCATGGGTTTCAGATTCAAATTTCAGTCA-3'

ClinVar aggregate classification (germline): Benign/Likely benign. Review status: criteria provided, multiple submitters, no conflicts (2 of 4 stars). 2 submissions from 2 submitters: Benign (1); Likely benign (1). Last evaluated 2026-01-05.

Allele frequency attached by ClinVar (database versions not stated): gnomAD exomes 0.00029 and 0.00070; ExAC 0.00085; gnomAD 0.00280 and 0.00286; TOPMed 0.00325; 1000 Genomes Project 0.00359; ESP Exome Variant Server 0.00377; 1000 Genomes Project 30x 0.00390.
gnomAD v4.1: 868 of 1,613,482 alleles (0.054%); highest among the groups gnomAD compares: African/African-American, 1%; 5 homozygotes.

Submissions (2):

Labcorp Genetics (formerly Invitae), Labcorp
Classification: Benign. Last evaluated: 2026-01-05. Review status: criteria provided, single submitter. Criteria: Invitae Variant Classification Sherloc (09022015). Collection method: clinical testing. Allele origin: germline.

GeneDx
Classification: Likely benign. Last evaluated: 2016-08-02. Review status: criteria provided, single submitter. Criteria: GeneDx Variant Classification (06012015). Collection method: clinical testing. Allele origin: germline. Affected: yes.
Comment: This variant is considered likely benign or benign based on one or more of the following criteria: it is a conservative change, it occurs at a poorly conserved position in the protein, it is predicted to be benign by multiple in silico algorithms, and/or has population frequency not consistent with disease.